The following is an entry in ClinVar:

NM_000275.3(OCA2):c.1618G>A (p.Glu540Lys)

Gene: OCA2 (OCA2 melanosomal transmembrane protein; minus strand). Cytogenetic location: 15q13.1.
Variant type: single nucleotide variant.
Coding change: c.1618G>A on transcript NM_000275.3 (MANE Select); coding-DNA position 1618, G replaced by A.
Protein change: p.Glu540Lys; replaces glutamic acid 540 with lysine.
Molecular consequence: missense variant.
Genome position (GRCh38, 1-based): chr15:27,966,708, C>T on the plus strand (G>A on the coding strand, the complement: OCA2 is on the minus strand). VCF-style: chr15-27966708-C-T. GRCh37 (hg19) VCF-style: chr15-28211854-C-T.
Other names: c.1546G>A, p.Glu516Lys (NM_001300984.2); short protein forms E540K, E516K.
Identifiers: ClinVar variation 5005374 (VCV005005374.2).

ClinVar aggregate classification (germline): Uncertain significance (1 of 4 stars; one submission).

Conditions:
Tyrosinase-positive oculocutaneous albinism (OCA2). Also called: ALBINISM II; Oculocutaneous albinism type 2; Albinism, oculocutaneous, type II. Identifiers: Orphanet 79432, MedGen C0268495, MONDO:0008746, OMIM 203200.

Submission:

Juno Genomics, Hangzhou Juno Genomics, Inc
Classification: Uncertain significance for Tyrosinase-positive oculocutaneous albinism. Review status: criteria provided, single submitter. Criteria: ACMG Guidelines, 2015. Collection method: clinical testing. Allele origin: germline.
Comment: Absent from controls (or at extremely low frequency if recessive) in Genome Aggregation Database.;Multiple lines of computational evidence support a deleterious effect on the gene or gene product.;For recessive disorders, detected in trans with a pathogenic variant.;Patient's phenotype or family history is highly specific for a disease with a single genetic etiology.